The following is an entry in ClinVar:

NM_001040142.2(SCN2A):c.4672G>C (p.Glu1558Gln)

Gene: SCN2A (sodium voltage-gated channel alpha subunit 2; plus strand). Cytogenetic location: 2q24.3.
Variant type: single nucleotide variant.
Coding change: c.4672G>C on transcript NM_001040142.2 (MANE Select); coding-DNA position 4672, G replaced by C.
Protein change: p.Glu1558Gln; replaces glutamic acid 1558 with glutamine.
Molecular consequence: missense variant.
Genome position (GRCh38, 1-based): chr2:165,386,866, G>C. VCF-style: chr2-165386866-G-C. GRCh37 (hg19) VCF-style: chr2-166243376-G-C.
Other names: c.4672G>C, p.Glu1558Gln (NM_001040143.2, NM_001371246.1, NM_001371247.1 and 1 more transcripts); short protein forms E1558Q.
Identifiers: ClinVar variation 2118475 (VCV002118475.4), dbSNP rs1473981349, ClinGen allele CA349036451.

ClinVar aggregate classification (germline): Uncertain significance (1 of 4 stars; one submission).

Conditions:
Seizures, benign familial infantile, 3 (BFIS3). Also called: CONVULSIONS, BENIGN FAMILIAL INFANTILE, 3; Familial neonatal seizures. Identifiers: Orphanet 140927, Orphanet 306, MedGen C1843140, MONDO:0011904, OMIM 607745.
Developmental and epileptic encephalopathy, 11 (DEE11). Also called: Early infantile epileptic encephalopathy 11. Identifiers: Orphanet 1934, MedGen C3150987, MONDO:0013388, OMIM 613721.

Allele frequency attached by ClinVar (database versions not stated): gnomAD exomes below 0.00001.
gnomAD v4.1: 4 of 1,613,962 alleles (0.00025%); highest among the groups gnomAD compares: Non-Finnish European, 0.00034%; no homozygotes.

Submission:

Labcorp Genetics (formerly Invitae), Labcorp
Classification: Uncertain significance for Seizures, benign familial infantile, 3; Developmental and epileptic encephalopathy, 11. Last evaluated: 2025-10-27. Review status: criteria provided, single submitter. Criteria: Invitae Variant Classification Sherloc (09022015). Collection method: clinical testing. Allele origin: germline.
Comment: This sequence change replaces glutamic acid, which is acidic and polar, with glutamine, which is neutral and polar, at codon 1558 of the SCN2A protein (p.Glu1558Gln). This variant is present in population databases (no rsID available, gnomAD 0.0009%). This variant has not been reported in the literature in individuals affected with SCN2A-related conditions. ClinVar contains an entry for this variant (Variation ID: 2118475). Invitae Evidence Modeling of protein sequence and biophysical properties (such as structural, functional, and spatial information, amino acid conservation, physicochemical variation, residue mobility, and thermodynamic stability) has been performed for this missense variant. However, the output from this modeling did not meet the statistical confidence thresholds required to predict the impact of this variant on SCN2A protein function. In summary, the available evidence is currently insufficient to determine the role of this variant in disease. Therefore, it has been classified as a Variant of Uncertain Significance.